The following is an entry in ClinVar:

ClinVar aggregate classification (germline): Pathogenic (1 of 4 stars; one submission).

Conditions:
Fetal anomalies with a likely genetic cause.

gnomAD v4.1: 1 of 1,612,804 alleles (0.000062%); highest among the groups gnomAD compares: Non-Finnish European, 0.000085%; no homozygotes.

Submission:

Genetics Laboratory, Great Ormond Street Hospital NHS Foundation Trust, North Thames Genomic Laboratory Hub
Classification: Pathogenic for Fetal anomalies with a likely genetic cause. Last evaluated: 2026-09-17. Review status: criteria provided, single submitter. Criteria: ACGS Best Practice Guidelines for Variant Classification in Rare Disease 2024 v1.2. Collection method: clinical testing. Allele origin: germline. Affected: yes.
Comment: PM2_moderate, PVS1_very-strong

NM_032360.4(ACBD6):c.288-1G>T

Gene: ACBD6 (acyl-CoA binding domain containing 6; minus strand). Cytogenetic location: 1q25.3.
Variant type: single nucleotide variant.
Coding change: c.288-1G>T on transcript NM_032360.4 (MANE Select); the canonical splice acceptor site of the intron before coding-DNA position 288, G replaced by T.
Molecular consequence: splice acceptor variant.
Genome position (GRCh38, 1-based): chr1:180,492,366, C>A on the plus strand (G>T on the coding strand, the complement: ACBD6 is on the minus strand). VCF-style: chr1-180492366-C-A. GRCh37 (hg19) VCF-style: chr1-180461501-C-A.
Identifiers: ClinVar variation 5043309 (VCV005043309.1).